The following is an entry in ClinVar:

ClinVar aggregate classification (germline): Likely benign (0 of 4 stars; one submission).

Conditions:
NCOR2-related disorder. Also called: NCOR2-related condition.

Allele frequency attached by ClinVar (database versions not stated): 1000 Genomes Project 30x 0.00016; 1000 Genomes Project 0.00020; ExAC 0.00029; ESP Exome Variant Server 0.00040.
gnomAD v4.1: 950 of 1,612,660 alleles (0.059%); highest among the groups gnomAD compares: Non-Finnish European, 0.074%; 2 homozygotes.

Submission:

PreventionGenetics, part of Exact Sciences
Classification: Likely benign for NCOR2-related condition. Last evaluated: 2019-05-14. Review status: no assertion criteria provided. Collection method: clinical testing. Allele origin: germline.
Comment: This variant is classified as likely benign based on ACMG/AMP sequence variant interpretation guidelines (Richards et al. 2015 PMID: 25741868, with internal and published modifications).

NM_006312.6(NCOR2):c.222C>T (p.Pro74=)

Gene: NCOR2 (nuclear receptor corepressor 2; minus strand). Cytogenetic location: 12q24.31.
Variant type: single nucleotide variant.
Coding change: c.222C>T on transcript NM_006312.6 (MANE Select); coding-DNA position 222, C replaced by T.
Protein change: p.Pro74=; no amino-acid change (proline 74 retained).
Molecular consequence: synonymous variant.
Genome position (GRCh38, 1-based): chr12:124,486,452, G>A on the plus strand (C>T on the coding strand, the complement: NCOR2 is on the minus strand). VCF-style: chr12-124486452-G-A. GRCh37 (hg19) VCF-style: chr12-124970998-G-A.
Other names: c.222C>T, p.Pro74= (NM_001077261.4, NM_001206654.2).
Identifiers: ClinVar variation 3041399 (VCV003041399.2), dbSNP rs375860971, ClinGen allele CA6870000.